The following is an entry in ClinVar:

NM_001127644.2(GABRA1):c.995C>T (p.Ala332Val)

Gene: GABRA1 (gamma-aminobutyric acid type A receptor subunit alpha1; plus strand). Cytogenetic location: 5q34.
Variant type: single nucleotide variant.
Coding change: c.995C>T on transcript NM_001127644.2 (MANE Select); coding-DNA position 995, C replaced by T.
Protein change: p.Ala332Val; replaces alanine 332 with valine.
Molecular consequence: missense variant.
Genome position (GRCh38, 1-based): chr5:161,895,804, C>T. VCF-style: chr5-161895804-C-T. GRCh37 (hg19) VCF-style: chr5-161322810-C-T.
Other names: c.995C>T, p.Ala332Val (NM_000806.5, NM_001127643.2, NM_001127645.2 and 1 more transcripts); short protein forms A332V.
Identifiers: ClinVar variation 992951 (VCV000992951.3), dbSNP rs1755338662, ClinGen allele CA362180368.

ClinVar aggregate classification (germline): Pathogenic. Review status: criteria provided, single submitter (1 of 4 stars). 2 submissions from 2 submitters: Pathogenic (1). 1 of the submissions does not count toward it. Last evaluated 2025-01-29.

Conditions:
Developmental and epileptic encephalopathy, 19 (DEE19). Also called: Epileptic encephalopathy, early infantile, 19. Identifiers: Orphanet 33069, MedGen C3810400, MONDO:0014328, OMIM 615744.

Submissions (2):

GeneDx
Classification: Pathogenic. Last evaluated: 2025-01-29. Review status: criteria provided, single submitter. Criteria: GeneDx Variant Classification Process June 2021. Collection method: clinical testing. Allele origin: germline. Affected: yes.
Comment: Published functional studies demonstrate abnormal channel receptor function and desensitization characteristics (PMID: 32047208); Not observed at significant frequency in large population cohorts (gnomAD); In silico analysis supports that this missense variant has a deleterious effect on protein structure/function; This variant is associated with the following publications: (PMID: 32047208)

OMIM
Classification: Pathogenic for DEVELOPMENTAL AND EPILEPTIC ENCEPHALOPATHY 19. Last evaluated: 2021-01-21. Review status: no assertion criteria provided. Collection method: literature only. Allele origin: germline. Not counted in ClinVar's aggregate classification.

Literature cited by the submitters: PubMed 32047208 (cited by OMIM).